The following is an entry in ClinVar:

NM_001267550.2(TTN):c.25557C>T (p.Gly8519=)

Gene: TTN (titin; minus strand). Cytogenetic location: 2q31.2.
Variant type: single nucleotide variant.
Coding change: c.25557C>T on transcript NM_001267550.2 (MANE Select); coding-DNA position 25557, C replaced by T.
Protein change: p.Gly8519=; no amino-acid change (glycine 8519 retained).
Molecular consequence: synonymous variant. On other transcripts: intron variant (3).
Genome position (GRCh38, 1-based): chr2:178,717,177, G>A on the plus strand (C>T on the coding strand, the complement: TTN is on the minus strand). VCF-style: chr2-178717177-G-A. GRCh37 (hg19) VCF-style: chr2-179581904-G-A.
Other names: c.24606C>T, p.Gly8202= (NM_001256850.1); c.21825C>T, p.Gly7275= (NM_133378.4); c.13282+20905C>T (NM_003319.4); c.13858+20905C>T (NM_133437.4); c.13657+20905C>T (NM_133432.3); c.25557C>T (NM_001267550.1).
Identifiers: ClinVar variation 432629 (VCV000432629.35), dbSNP rs372320172, ClinGen allele CA2000195.
Genomic context (GRCh38, chr2:178,717,177, plus strand): 5'-ACAAGAGTCTTTTCCAGCGATGTTGCTTGCATAGCAGGTGTACTGCCCGGCATCGCCTTT[G>A]CCTACTTTGAGAACTGTCAGAGTGGCAGTATTTTCTACCAAAGTCATCTTGTAGTTGCCT-3'
Protein context (NP_001254479.2, residues 8509-8529): NTATLTVLKV[Gly8519=]KGDAGQYTCY

ClinVar aggregate classification (germline): Conflicting classifications of pathogenicity. Review status: criteria provided, conflicting classifications (1 of 4 stars). 7 submissions from 7 submitters: Uncertain significance (5); Likely benign (2). Last evaluated 2025-11-18.

Conditions:
TTN-related disorder. Also called: TTN-related condition; TTN-related disease; TTN-related disorders.
Hypertrophic cardiomyopathy 9. Also called: Familial hypertrophic cardiomyopathy 9. Identifiers: MedGen C1861065, MONDO:0013412, OMIM 613765.
Dilated cardiomyopathy 1G (CMD1G). Identifiers: Orphanet 154, MedGen C1858763, MONDO:0011400, OMIM 604145.
Autosomal recessive limb-girdle muscular dystrophy type 2J (LGMDR10). Also called: MUSCULAR DYSTROPHY, LIMB-GIRDLE, AUTOSOMAL RECESSIVE 10; Limb-girdle muscular dystrophy, type 2J. Identifiers: Orphanet 140922, MedGen C1837342, MONDO:0012127, OMIM 608807.
Tibial muscular dystrophy (TMD). Also called: Udd Distal Myopathy – Tibial Muscular Dystrophy; Tibial muscular dystrophy, tardive; UDD MYOPATHY. Identifiers: Orphanet 609, MedGen C1838244, MONDO:0010870, OMIM 600334.
Myopathy, myofibrillar, 9, with early respiratory failure (MFM9). Also called: Myopathy, distal, with early respiratory failure, autosomal dominant; Hereditary myopathy with early respiratory failure; EDSTROM MYOPATHY; MYOPATHY, PROXIMAL, WITH EARLY RESPIRATORY MUSCLE INVOLVEMENT. Identifiers: Orphanet 178464, Orphanet 34521, MedGen C1863599, MONDO:0011362, OMIM 603689.
Early-onset myopathy with fatal cardiomyopathy (CMYO5). Also called: CONGENITAL MYOPATHY 5 WITH CARDIOMYOPATHY; Salih Myopathy. Identifiers: Orphanet 289377, MedGen C2673677, MONDO:0012714, OMIM 611705. Disease mechanism: loss of function.

Allele frequency attached by ClinVar (database versions not stated): ExAC 0.00003; gnomAD exomes 0.00005; TOPMed 0.00006; ESP Exome Variant Server 0.00008; gnomAD 0.00009.
gnomAD v4.1: 80 of 1,613,528 alleles (0.005%); highest among the groups gnomAD compares: Non-Finnish European, 0.0067%; no homozygotes.

Submissions (7):

GeneDx
Classification: Uncertain significance. Last evaluated: 2025-11-18. Review status: criteria provided, single submitter. Criteria: GeneDx Variant Classification Process June 2021. Collection method: clinical testing. Allele origin: germline. Affected: yes.
Comment: Has not been previously published as pathogenic or benign to our knowledge; In silico analysis suggests this variant may impact gene splicing. In the absence of RNA/functional studies, the actual effect of this sequence change is unknown.

PreventionGenetics, part of Exact Sciences
Classification: Uncertain significance for TTN-related condition. Last evaluated: 2025-05-25. Review status: criteria provided, single submitter. Criteria: ACMG Guidelines, 2015. Collection method: clinical testing. Allele origin: germline.
Comment: The TTN c.25557C>T variant is not predicted to result in an amino acid change (p.=). This variant is predicted to alter splicing based on available splicing prediction programs (SpliceAI, Jaganathan et al. 2019. PubMed ID: 30661751). However, the use of computer prediction programs is not equivalent to functional evidence. To our knowledge, this variant has not been reported in the literature. This variant is reported in 0.012% of alleles in individuals of European (Non-Finnish) descent in gnomAD. At this time, the clinical significance of this variant is uncertain due to the absence of conclusive functional and genetic evidence.

Blueprint Genetics
Classification: Likely benign. Last evaluated: 2024-09-06. Review status: criteria provided, single submitter. Criteria: ACMG Guidelines, 2015. Collection method: clinical testing. Allele origin: germline.

Revvity Omics, Revvity
Classification: Uncertain significance. Last evaluated: 2023-11-02. Review status: criteria provided, single submitter. Criteria: ACMG Guidelines, 2015. Collection method: clinical testing. Allele origin: germline.

CeGaT Center for Human Genetics Tuebingen
Classification: Likely benign. Last evaluated: 2023-09-01. Review status: criteria provided, single submitter. Criteria: CeGaT Center For Human Genetics Tuebingen Variant Classification Criteria Version 2. Collection method: clinical testing. Allele origin: germline. Affected: yes. Observed: 1 variant allele.
Comment: TTN: BP4

Fulgent Genetics
Classification: Uncertain significance for Tibial muscular dystrophy; Myopathy, myofibrillar, 9, with early respiratory failure; Dilated cardiomyopathy 1G; Autosomal recessive limb-girdle muscular dystrophy type 2J; Early-onset myopathy with fatal cardiomyopathy; Hypertrophic cardiomyopathy 9. Last evaluated: 2021-08-24. Review status: criteria provided, single submitter. Criteria: ACMG Guidelines, 2015. Collection method: clinical testing. Allele origin: unknown.

Eurofins Ntd Llc (ga)
Classification: Uncertain significance. Last evaluated: 2016-10-03. Review status: criteria provided, single submitter. Criteria: EGL Classification Definitions 2015. Collection method: clinical testing. Allele origin: germline. Observed: 1 variant allele, 1 heterozygote.